The following is an entry in ClinVar:

NM_001286.5(CLCN6):c.448A>C (p.Ile150Leu)

Gene: CLCN6 (chloride voltage-gated channel 6; plus strand). Cytogenetic location: 1p36.22.
Variant type: single nucleotide variant.
Coding change: c.448A>C on transcript NM_001286.5 (MANE Select); coding-DNA position 448, A replaced by C.
Protein change: p.Ile150Leu; replaces isoleucine 150 with leucine.
Molecular consequence: missense variant. On other transcripts: non-coding transcript variant (1).
Genome position (GRCh38, 1-based): chr1:11,822,796, A>C. VCF-style: chr1-11822796-A-C. GRCh37 (hg19) VCF-style: chr1-11882853-A-C.
Other names: c.382A>C, p.Ile128Leu (NM_001256959.2); short protein forms I128L, I150L.
Identifiers: ClinVar variation 2843958 (VCV002843958.3), dbSNP rs1644762832, ClinGen allele CA338427544.

ClinVar aggregate classification (germline): Uncertain significance (1 of 4 stars; one submission).

Allele frequency attached by ClinVar (database versions not stated): gnomAD 0.00001.

Submission:

Labcorp Genetics (formerly Invitae), Labcorp
Classification: Uncertain significance. Last evaluated: 2023-03-08. Review status: criteria provided, single submitter. Criteria: Invitae Variant Classification Sherloc (09022015). Collection method: clinical testing. Allele origin: germline.
Comment: In summary, the available evidence is currently insufficient to determine the role of this variant in disease. Therefore, it has been classified as a Variant of Uncertain Significance. An algorithm developed to predict the effect of missense changes on protein structure and function (PolyPhen-2) suggests that this variant is likely to be tolerated. This variant has not been reported in the literature in individuals affected with CLCN6-related conditions. This variant is not present in population databases (gnomAD no frequency). This sequence change replaces isoleucine, which is neutral and non-polar, with leucine, which is neutral and non-polar, at codon 150 of the CLCN6 protein (p.Ile150Leu).